The following is an entry in ClinVar:

ClinVar aggregate classification (germline): Uncertain significance (1 of 4 stars; one submission).

Conditions:
Developmental and epileptic encephalopathy, 62. Also called: Early infantile epileptic encephalopathy 62. Identifiers: MedGen C4693699, MONDO:0033371, OMIM 617938.

Submission:

Neuberg Centre For Genomic Medicine, NCGM
Classification: Uncertain significance for Developmental and epileptic encephalopathy, 62. Review status: criteria provided, single submitter. Criteria: ACMG Guidelines, 2015. Collection method: clinical testing. Allele origin: germline. Affected: yes.
Comment: The missense variant p.S1110A in SCN3A (NM_006922.4) has not been reported previously as a pathogenic variant nor as a benign variant, to our knowledge. The p.S1110A variant is novel (not in any individuals) in gnomAD Exomes and is novel (not in any individuals) in 1000 Genomes. The p.S1110A missense variant is predicted to be damaging by both SIFT and PolyPhen2. The serine residue at codon 1110 of SCN3A is conserved in all mammalian species. The nucleotide c.3328 in SCN3A is predicted conserved by GERP++ and PhyloP across 100 vertebrates. For these reasons, this variant has been classified as Uncertain Significance.

NM_006922.4(SCN3A):c.3328T>G (p.Ser1110Ala)

Gene: SCN3A (sodium voltage-gated channel alpha subunit 3; minus strand). Cytogenetic location: 2q24.3.
Variant type: single nucleotide variant.
Coding change: c.3328T>G on transcript NM_006922.4 (MANE Select); coding-DNA position 3328, T replaced by G.
Protein change: p.Ser1110Ala; replaces serine 1110 with alanine.
Molecular consequence: missense variant.
Genome position (GRCh38, 1-based): chr2:165,127,696, A>C on the plus strand (T>G on the coding strand, the complement: SCN3A is on the minus strand). VCF-style: chr2-165127696-A-C. GRCh37 (hg19) VCF-style: chr2-165984206-A-C.
Other names: c.3181T>G, p.Ser1061Ala (NM_001081676.2, NM_001081677.2); short protein forms S1061A, S1110A.
Identifiers: ClinVar variation 1339037 (VCV001339037.2), dbSNP rs2105761872, ClinGen allele CA349040249.